The following is an entry in ClinVar:

ClinVar aggregate classification (germline): Uncertain significance (1 of 4 stars; one submission).

Submission:

Labcorp Genetics (formerly Invitae), Labcorp
Classification: Uncertain significance. Last evaluated: 2024-11-18. Review status: criteria provided, single submitter. Criteria: Invitae Variant Classification Sherloc (09022015). Collection method: clinical testing. Allele origin: germline.
Comment: This sequence change replaces cysteine, which is neutral and slightly polar, with serine, which is neutral and polar, at codon 234 of the KCNJ13 protein (p.Cys234Ser). This variant is not present in population databases (gnomAD no frequency). This variant has not been reported in the literature in individuals affected with KCNJ13-related conditions. ClinVar contains an entry for this variant (Variation ID: 842487). Invitae Evidence Modeling of protein sequence and biophysical properties (such as structural, functional, and spatial information, amino acid conservation, physicochemical variation, residue mobility, and thermodynamic stability) indicates that this missense variant is not expected to disrupt KCNJ13 protein function with a negative predictive value of 80%. In summary, the available evidence is currently insufficient to determine the role of this variant in disease. Therefore, it has been classified as a Variant of Uncertain Significance.

NM_002242.4(KCNJ13):c.700T>A (p.Cys234Ser)

Genes: GIGYF2 (GRB10 interacting GYF protein 2; plus strand), KCNJ13 (potassium inwardly rectifying channel subfamily J member 13; minus strand). Cytogenetic location: 2q37.1.
Variant type: single nucleotide variant.
Coding change: c.700T>A on transcript NM_002242.4 (MANE Select); coding-DNA position 700, T replaced by A.
Protein change: p.Cys234Ser; replaces cysteine 234 with serine.
Molecular consequence: missense variant. On other transcripts: 3 prime UTR variant (1), intron variant (4).
Genome position (GRCh38, 1-based): chr2:232,768,574, A>T on the plus strand (T>A on the coding strand, the complement: KCNJ13 is on the minus strand). VCF-style: chr2-232768574-A-T. GRCh37 (hg19) VCF-style: chr2-233633284-A-T.
Other names: c.*179T>A (NM_001172416.1); c.460T>A, p.Cys154Ser (NM_001172417.1); c.532+7138A>T (NM_001103146.3, NM_015575.4, NM_001103147.2 and 1 more transcripts); short protein forms C154S, C234S.
Identifiers: ClinVar variation 842487 (VCV000842487.11), dbSNP rs1699077176, ClinGen allele CA351009710.